The following is an entry in ClinVar:

ClinVar aggregate classification (germline): Uncertain significance. Review status: criteria provided, multiple submitters, no conflicts (2 of 4 stars). 6 submissions from 6 submitters: Uncertain significance (6). Last evaluated 2025-06-04.

Conditions:
Autosomal recessive limb-girdle muscular dystrophy type R18 (LGMDR18). Also called: Autosomal recessive limb-girdle muscular dystrophy type 2S; Limb-girdle muscular dystrophy, type 2S; MUSCULAR DYSTROPHY, LIMB-GIRDLE, AUTOSOMAL RECESSIVE 18. Identifiers: Orphanet 369840, MedGen C4517996, MONDO:0014144, OMIM 615356.
Inborn genetic diseases. Identifiers: MedGen C0950123, MeSH D030342.

Allele frequency attached by ClinVar (database versions not stated): TOPMed 0.00002.
gnomAD v4.1: 41 of 1,612,690 alleles (0.0025%); highest among the groups gnomAD compares: South Asian, 0.02%; no homozygotes.

Submissions (6):

GeneDx
Classification: Uncertain significance. Last evaluated: 2025-06-04. Review status: criteria provided, single submitter. Criteria: GeneDx Variant Classification Process June 2021. Collection method: clinical testing. Allele origin: germline. Affected: yes.
Comment: Has not been previously published as pathogenic or benign to our knowledge; In silico analysis supports that this missense variant has a deleterious effect on protein structure/function

Revvity Omics, Revvity
Classification: Uncertain significance for Autosomal recessive limb-girdle muscular dystrophy type R18. Last evaluated: 2025-05-08. Review status: criteria provided, single submitter. Criteria: ACMG Guidelines, 2015. Collection method: clinical testing. Allele origin: germline.

Blueprint Genetics
Classification: Uncertain significance. Last evaluated: 2023-10-13. Review status: criteria provided, single submitter. Criteria: ACMG Guidelines, 2015. Collection method: clinical testing. Allele origin: germline.

Labcorp Genetics (formerly Invitae), Labcorp
Classification: Uncertain significance for Autosomal recessive limb-girdle muscular dystrophy type R18. Last evaluated: 2023-08-07. Review status: criteria provided, single submitter. Criteria: Invitae Variant Classification Sherloc (09022015). Collection method: clinical testing. Allele origin: germline.
Comment: In summary, the available evidence is currently insufficient to determine the role of this variant in disease. Therefore, it has been classified as a Variant of Uncertain Significance. Advanced modeling of protein sequence and biophysical properties (such as structural, functional, and spatial information, amino acid conservation, physicochemical variation, residue mobility, and thermodynamic stability) performed at Invitae indicates that this missense variant is not expected to disrupt TRAPPC11 protein function. ClinVar contains an entry for this variant (Variation ID: 437020). This variant has not been reported in the literature in individuals affected with TRAPPC11-related conditions. This variant is present in population databases (rs149626892, gnomAD 0.02%). This sequence change replaces arginine, which is basic and polar, with cysteine, which is neutral and slightly polar, at codon 844 of the TRAPPC11 protein (p.Arg844Cys).

Ambry Genetics
Classification: Uncertain significance for Inborn genetic diseases. Last evaluated: 2021-09-01. Review status: criteria provided, single submitter. Criteria: Ambry Variant Classification Scheme 2023. Collection method: clinical testing. Allele origin: germline.

Genetic Services Laboratory, University of Chicago
Classification: Uncertain significance. Last evaluated: 2016-09-02. Review status: criteria provided, single submitter. Criteria: ACMG Guidelines, 2015. Collection method: clinical testing. Allele origin: germline. Affected: no.

NM_021942.6(TRAPPC11):c.2530C>T (p.Arg844Cys)

Gene: TRAPPC11 (trafficking protein particle complex subunit 11; plus strand). Cytogenetic location: 4q35.1.
Variant type: single nucleotide variant.
Coding change: c.2530C>T on transcript NM_021942.6 (MANE Select); coding-DNA position 2530, C replaced by T.
Protein change: p.Arg844Cys; replaces arginine 844 with cysteine.
Molecular consequence: missense variant.
Genome position (GRCh38, 1-based): chr4:183,694,625, C>T. VCF-style: chr4-183694625-C-T. GRCh37 (hg19) VCF-style: chr4-184615778-C-T.
Other names: c.2530C>T, p.Arg844Cys (NM_199053.3); c.2530C>T (NM_021942.4); short protein forms R844C.
Identifiers: ClinVar variation 437020 (VCV000437020.18), dbSNP rs149626892, ClinGen allele CA3152224.